The following is an entry in ClinVar:

ClinVar aggregate classification (germline): Conflicting classifications of pathogenicity. Review status: criteria provided, conflicting classifications (1 of 4 stars). 3 submissions from 3 submitters: Uncertain significance (2); Likely benign (1). Last evaluated 2025-11-09.

Conditions:
Inborn genetic diseases. Identifiers: MedGen C0950123, MeSH D030342.

Allele frequency attached by ClinVar (database versions not stated): ExAC 0.00002; gnomAD exomes 0.00003.
gnomAD v4.1: 43 of 1,610,714 alleles (0.0027%); highest among the groups gnomAD compares: Non-Finnish European, 0.0035%; no homozygotes.

Submissions (3):

Labcorp Genetics (formerly Invitae), Labcorp
Classification: Likely benign. Last evaluated: 2025-11-09. Review status: criteria provided, single submitter. Criteria: Invitae Variant Classification Sherloc (09022015). Collection method: clinical testing. Allele origin: germline.

Ambry Genetics
Classification: Uncertain significance for Inborn genetic diseases. Last evaluated: 2025-06-29. Review status: criteria provided, single submitter. Criteria: Ambry Variant Classification Scheme 2023. Collection method: clinical testing. Allele origin: germline.

GeneDx
Classification: Uncertain significance. Last evaluated: 2022-02-23. Review status: criteria provided, single submitter. Criteria: GeneDx Variant Classification Process June 2021. Collection method: clinical testing. Allele origin: germline. Affected: yes.
Comment: Has not been previously published as pathogenic or benign to our knowledge; In silico analysis supports that this missense variant does not alter protein structure/function; Not located in the triple helical region, where the majority of pathogenic missense variants occur (Acke et al., 2014); This variant is associated with the following publications: (PMID: 25240749)

NM_001854.4(COL11A1):c.1262C>T (p.Ala421Val)

Gene: COL11A1 (collagen type XI alpha 1 chain; minus strand). Cytogenetic location: 1p21.1.
Variant type: single nucleotide variant.
Coding change: c.1262C>T on transcript NM_001854.4 (MANE Select); coding-DNA position 1262, C replaced by T.
Protein change: p.Ala421Val; replaces alanine 421 with valine.
Molecular consequence: missense variant. On other transcripts: non-coding transcript variant (1).
Genome position (GRCh38, 1-based): chr1:103,021,753, G>A on the plus strand (C>T on the coding strand, the complement: COL11A1 is on the minus strand). VCF-style: chr1-103021753-G-A. GRCh37 (hg19) VCF-style: chr1-103487309-G-A.
Other names: c.1145C>T, p.Ala382Val (NM_001190709.2); c.1298C>T, p.Ala433Val (NM_080629.3); c.914C>T, p.Ala305Val (NM_080630.4); short protein forms A305V, A382V, A421V, A433V.
Identifiers: ClinVar variation 1056854 (VCV001056854.13), dbSNP rs775644641, ClinGen allele CA975056.
Genomic context (GRCh38, chr1:103,021,753, plus strand): 5'-ACACTACTACTTACAGGCTCAACCACTGCTGGTTCTCCTTTCTGTCCTTTCTCTCCATAT[G>A]CACCATGGCCATTTATCTGTTGAATGAAATATTCAAAACAGCCTAAATGTCTGTAAGACC-3'
Protein context (NP_001845.3, residues 411-431): ITETSINGHG[Ala421Val]YGEKGQKGEP